The following is an entry in ClinVar:

ClinVar aggregate classification (germline): Uncertain significance (1 of 4 stars; one submission).

Conditions:
Inborn genetic diseases. Identifiers: MedGen C0950123, MeSH D030342.

Submission:

Ambry Genetics
Classification: Uncertain significance for Inborn genetic diseases. Last evaluated: 2024-12-27. Review status: criteria provided, single submitter. Criteria: Ambry Variant Classification Scheme 2023. Collection method: clinical testing. Allele origin: germline.
Comment: The c.1614A>G (p.Q538Q) alteration is located in exon 12 (coding exon 12) of the LAMA2 gene. This alteration consists of a A to G substitution at nucleotide position 1614. This nucleotide substitution does not change the amino acid at codon 538. However, this change occurs in the last nucleotide of Exon 12 (c.1609_1782) which makes it likely to have some effect on normal mRNA splicing. Based on insufficient or conflicting evidence, the clinical significance of this alteration remains unclear.

NM_000426.4(LAMA2):c.1614A>G (p.Gln538=)

Gene: LAMA2 (laminin subunit alpha 2; plus strand). Cytogenetic location: 6q22.33.
Variant type: single nucleotide variant.
Coding change: c.1614A>G on transcript NM_000426.4 (MANE Select); coding-DNA position 1614, A replaced by G.
Protein change: p.Gln538=; no amino-acid change (glutamine 538 retained).
Molecular consequence: synonymous variant.
Genome position (GRCh38, 1-based): chr6:129,192,685, A>G. VCF-style: chr6-129192685-A-G. GRCh37 (hg19) VCF-style: chr6-129513830-A-G.
Other names: c.1614A>G, p.Gln538= (NM_001079823.2).
Identifiers: ClinVar variation 3866145 (VCV003866145.1).